The following is an entry in ClinVar:

ClinVar aggregate classification (germline): Likely benign. Review status: criteria provided, multiple submitters, no conflicts (2 of 4 stars). 3 submissions from 3 submitters: Likely benign (2). 1 of the submissions does not count toward it. Last evaluated 2025-11-01.

Conditions:
LAMA5-related disorder. Also called: LAMA5-Related Disorders; LAMA5-related condition.

Allele frequency attached by ClinVar (database versions not stated): gnomAD exomes 0.00015 and 0.00038; ExAC 0.00100; gnomAD 0.00160 and 0.00170; ESP Exome Variant Server 0.00167; 1000 Genomes Project 0.00180; TOPMed 0.00182; 1000 Genomes Project 30x 0.00219.
gnomAD v4.1: 453 of 1,550,972 alleles (0.029%); highest among the groups gnomAD compares: African/African-American, 0.55%; 3 homozygotes.

Submissions (3):

Labcorp Genetics (formerly Invitae), Labcorp
Classification: Likely benign. Last evaluated: 2025-11-01. Review status: criteria provided, single submitter. Criteria: Invitae Variant Classification Sherloc (09022015). Collection method: clinical testing. Allele origin: germline.

Blueprint Genetics
Classification: Likely benign. Last evaluated: 2024-08-06. Review status: criteria provided, single submitter. Criteria: ACMG Guidelines, 2015. Collection method: clinical testing. Allele origin: germline.

PreventionGenetics, part of Exact Sciences
Classification: Likely benign for LAMA5-related condition. Last evaluated: 2019-08-02. Review status: no assertion criteria provided. Collection method: clinical testing. Allele origin: germline. Not counted in ClinVar's aggregate classification.
Comment: This variant is classified as likely benign based on ACMG/AMP sequence variant interpretation guidelines (Richards et al. 2015 PMID: 25741868, with internal and published modifications).

NM_005560.6(LAMA5):c.1281C>T (p.Arg427=)

Gene: LAMA5 (laminin subunit alpha 5; minus strand). Cytogenetic location: 20q13.33.
Variant type: single nucleotide variant.
Coding change: c.1281C>T on transcript NM_005560.6 (MANE Select); coding-DNA position 1281, C replaced by T.
Protein change: p.Arg427=; no amino-acid change (arginine 427 retained).
Molecular consequence: synonymous variant.
Genome position (GRCh38, 1-based): chr20:62,346,507, G>A on the plus strand (C>T on the coding strand, the complement: LAMA5 is on the minus strand). VCF-style: chr20-62346507-G-A. GRCh37 (hg19) VCF-style: chr20-60921563-G-A.
Identifiers: ClinVar variation 729650 (VCV000729650.11), dbSNP rs148389677, ClinGen allele CA9944020.